The following is an entry in ClinVar:

NM_001267550.2(TTN):c.83990G>T (p.Arg27997Ile)

Genes: TTN (titin; minus strand), TTN-AS1 (TTN antisense RNA 1; plus strand). Cytogenetic location: 2q31.2.
Variant type: single nucleotide variant.
Coding change: c.83990G>T on transcript NM_001267550.2 (MANE Select); coding-DNA position 83990, G replaced by T.
Protein change: p.Arg27997Ile; replaces arginine 27997 with isoleucine.
Molecular consequence: missense variant.
Genome position (GRCh38, 1-based): chr2:178,562,142, C>A on the plus strand (G>T on the coding strand, the complement: TTN is on the minus strand). VCF-style: chr2-178562142-C-A. GRCh37 (hg19) VCF-style: chr2-179426869-C-A.
Other names: p.Arg26356Ile; c.79067G>T, p.Arg26356Ile (NM_001256850.1); c.56795G>T, p.Arg18932Ile (NM_003319.4); c.76286G>T, p.Arg25429Ile (NM_133378.4); c.57170G>T, p.Arg19057Ile (NM_133432.3); c.57371G>T, p.Arg19124Ile (NM_133437.4); short protein forms R19057I, R18932I, R19124I, R25429I, R26356I, R27997I.
Identifiers: ClinVar variation 4540711 (VCV004540711.1).

ClinVar aggregate classification (germline): Uncertain significance (1 of 4 stars; one submission).

Submission:

Mayo Clinic Laboratories, Mayo Clinic
Classification: Uncertain significance. Last evaluated: 2025-10-21. Review status: criteria provided, single submitter. Criteria: ACMG Guidelines, 2015. Collection method: clinical testing. Allele origin: germline. Observed: 1 variant allele.
Comment: BP4_moderate, PM2_supporting